The following is an entry in ClinVar:

NM_001351132.2(PEX5):c.92G>A (p.Arg31Gln)

Gene: PEX5 (peroxisomal biogenesis factor 5; plus strand). Cytogenetic location: 12p13.31.
Variant type: single nucleotide variant.
Coding change: c.92G>A on transcript NM_001351132.2 (MANE Select); coding-DNA position 92, G replaced by A.
Protein change: p.Arg31Gln; replaces arginine 31 with glutamine.
Molecular consequence: missense variant.
Genome position (GRCh38, 1-based): chr12:7,190,469, G>A. VCF-style: chr12-7190469-G-A. GRCh37 (hg19) VCF-style: chr12-7343065-G-A.
Other names: c.92G>A, p.Arg31Gln (NM_001351138.2, NM_001351139.2, NM_001351140.2 and 22 more transcripts); c.92G>A (NM_001131025.1); short protein forms R31Q.
Identifiers: ClinVar variation 1401832 (VCV001401832.7), dbSNP rs190526209, ClinGen allele CA6425990.
Genomic context (GRCh38, chr12:7,190,469, plus strand): 5'-GCGGGGGTGCCAACCCGCTCATGAAGCTCGCCGGGCACTTCACCCAGGACAAGGCCCTTC[G>A]GCAGGAGGGATTGAGGCCTGGCCCCTGGCCCCCCGGAGCCCCGGCCTCTGAGGCAGTGAG-3'
Protein context (NP_001338061.1, residues 21-41): AGHFTQDKAL[Arg31Gln]QEGLRPGPWP

ClinVar aggregate classification (germline): Uncertain significance. Review status: criteria provided, multiple submitters, no conflicts (2 of 4 stars). 2 submissions from 2 submitters: Uncertain significance (2). Last evaluated 2026-04-15.

Conditions:
Inborn genetic diseases. Identifiers: MedGen C0950123, MeSH D030342.
Peroxisome biogenesis disorder 2B (PBD2B). Identifiers: Orphanet 44, MedGen C3550234, MONDO:0008736, OMIM 202370.

Allele frequency attached by ClinVar (database versions not stated): 1000 Genomes Project 0.00060; gnomAD exomes 0.00001 and below 0.00001; 1000 Genomes Project 30x 0.00062.
gnomAD v4.1: 8 of 1,614,106 alleles (0.0005%); highest among the groups gnomAD compares: African/African-American, 0.0093%; no homozygotes.

Submissions (2):

Ambry Genetics
Classification: Uncertain significance for Inborn genetic diseases. Last evaluated: 2026-04-15. Review status: criteria provided, single submitter. Criteria: Ambry Variant Classification Scheme 2023. Collection method: clinical testing. Allele origin: germline.

Labcorp Genetics (formerly Invitae), Labcorp
Classification: Uncertain significance for Peroxisome biogenesis disorder 2B. Last evaluated: 2025-12-19. Review status: criteria provided, single submitter. Criteria: Invitae Variant Classification Sherloc (09022015). Collection method: clinical testing. Allele origin: germline.
Comment: This sequence change replaces arginine, which is basic and polar, with glutamine, which is neutral and polar, at codon 31 of the PEX5 protein (p.Arg31Gln). This variant is present in population databases (rs190526209, gnomAD 0.02%). This variant has not been reported in the literature in individuals affected with PEX5-related conditions. ClinVar contains an entry for this variant (Variation ID: 1401832). An algorithm developed to predict the effect of missense changes on protein structure and function outputs the following: PolyPhen-2: "Benign". The glutamine amino acid residue is found in multiple mammalian species, which suggests that this missense change does not adversely affect protein function. In summary, the available evidence is currently insufficient to determine the role of this variant in disease. Therefore, it has been classified as a Variant of Uncertain Significance.